The following is an entry in ClinVar:

NM_022081.6(HPS4):c.1244C>G (p.Thr415Arg)

Gene: HPS4 (HPS4 biogenesis of lysosomal organelles complex 3 subunit 2; minus strand). Cytogenetic location: 22q12.1.
Variant type: single nucleotide variant.
Coding change: c.1244C>G on transcript NM_022081.6 (MANE Select); coding-DNA position 1244, C replaced by G.
Protein change: p.Thr415Arg; replaces threonine 415 with arginine.
Molecular consequence: missense variant. On other transcripts: non-coding transcript variant (8).
Genome position (GRCh38, 1-based): chr22:26,464,386, G>C on the plus strand (C>G on the coding strand, the complement: HPS4 is on the minus strand). VCF-style: chr22-26464386-G-C. GRCh37 (hg19) VCF-style: chr22-26860352-G-C.
Other names: c.1229C>G, p.Thr410Arg (NM_152841.2); c.1244C>G, p.Thr415Arg (NM_001349896.1, NM_001349898.2, NM_001349899.2 and 5 more transcripts); c.1298C>G, p.Thr433Arg (NM_001349900.2, NM_001349901.1); short protein forms T433R, T410R, T415R.
Identifiers: ClinVar variation 2986110 (VCV002986110.3), dbSNP rs773931864, ClinGen allele CA411027549.

ClinVar aggregate classification (germline): Uncertain significance (1 of 4 stars; one submission).

gnomAD v4.1: 1 of 1,614,056 alleles (0.000062%); highest among the groups gnomAD compares: Non-Finnish European, 0.000085%; no homozygotes.

Submission:

Labcorp Genetics (formerly Invitae), Labcorp
Classification: Uncertain significance. Last evaluated: 2023-10-30. Review status: criteria provided, single submitter. Criteria: Invitae Variant Classification Sherloc (09022015). Collection method: clinical testing. Allele origin: germline.
Comment: This sequence change replaces threonine, which is neutral and polar, with arginine, which is basic and polar, at codon 415 of the HPS4 protein (p.Thr415Arg). This variant is not present in population databases (gnomAD no frequency). This variant has not been reported in the literature in individuals affected with HPS4-related conditions. Algorithms developed to predict the effect of missense changes on protein structure and function output the following: SIFT: "Not Available"; PolyPhen-2: "Benign"; Align-GVGD: "Not Available". The arginine amino acid residue is found in multiple mammalian species, which suggests that this missense change does not adversely affect protein function. In summary, the available evidence is currently insufficient to determine the role of this variant in disease. Therefore, it has been classified as a Variant of Uncertain Significance.